The following is an entry in ClinVar:

ClinVar aggregate classification (germline): Pathogenic (1 of 4 stars; one submission).

Submission:

Labcorp Genetics (formerly Invitae), Labcorp
Classification: Pathogenic. Last evaluated: 2024-03-21. Review status: criteria provided, single submitter. Criteria: Invitae Variant Classification Sherloc (09022015). Collection method: clinical testing. Allele origin: germline.
Comment: This sequence change affects an acceptor splice site in intron 37 of the COL4A3 gene. It is expected to disrupt RNA splicing. Variants that disrupt the donor or acceptor splice site typically lead to a loss of protein function (PMID: 16199547), and loss-of-function variants in COL4A3 are known to be pathogenic (PMID: 8956999, 24854265, 26809805, 27281700). This variant is not present in population databases (gnomAD no frequency). Disruption of this splice site has been observed in individual(s) with Alport syndrome (Invitae). In at least one individual the data is consistent with being in trans (on the opposite chromosome) from a pathogenic variant. ClinVar contains an entry for this variant (Variation ID: 1068807). Algorithms developed to predict the effect of sequence changes on RNA splicing suggest that this variant may disrupt the consensus splice site. For these reasons, this variant has been classified as Pathogenic.

Literature cited by the submitters: PubMed 16199547; PubMed 8956999; PubMed 24854265; PubMed 26809805; PubMed 27281700.

NM_000091.5(COL4A3):c.3211-2A>C

Genes: COL4A3 (collagen type IV alpha 3 chain; plus strand), MFF-DT (MFF divergent transcript; minus strand). Cytogenetic location: 2q36.3.
Variant type: single nucleotide variant.
Coding change: c.3211-2A>C on transcript NM_000091.5 (MANE Select); the canonical splice acceptor site of the intron before coding-DNA position 3211, A replaced by C.
Molecular consequence: splice acceptor variant.
Genome position (GRCh38, 1-based): chr2:227,293,189, A>C. VCF-style: chr2-227293189-A-C. GRCh37 (hg19) VCF-style: chr2-228157905-A-C.
Identifiers: ClinVar variation 1068807 (VCV001068807.9), dbSNP rs2106226183, ClinGen allele CA350857057.